The following is an entry in ClinVar:

ClinVar aggregate classification (germline): Conflicting classifications of pathogenicity. Review status: criteria provided, conflicting classifications (1 of 4 stars). 5 submissions from 5 submitters: Uncertain significance (4); Likely benign (1). Last evaluated 2025-03-23.

Conditions:
Hereditary cancer-predisposing syndrome. Also called: Neoplastic Syndromes, Hereditary; Tumor predisposition; Hereditary Cancer Syndrome; Hereditary neoplastic syndrome. Identifiers: Orphanet 140162, MedGen C0027672, MeSH D009386, MONDO:0015356.
BRCA2-related cancer predisposition. Identifiers: MedGen CN377758, MONDO:0700269.
Hereditary breast ovarian cancer syndrome. Also called: BRCA1- and BRCA2-Associated Hereditary Breast and Ovarian Cancer; Hereditary breast and ovarian cancer syndrome; Hereditary breast and ovarian cancer; Hereditary breast and ovarian cancer syndrome (HBOC); Breast and ovarian cancer; Hereditary breast and/or ovarian cancer syndrome. Identifiers: Orphanet 145, MedGen C0677776, MeSH D061325, MONDO:0003582. Disease mechanism: loss of function.

Allele frequency attached by ClinVar (database versions not stated): gnomAD exomes below 0.00001; TOPMed below 0.00001; gnomAD 0.00001.
gnomAD v4.1: 2 of 1,592,666 alleles (0.00013%); highest among the groups gnomAD compares: African/African-American, 0.0027%; no homozygotes.

Submissions (5):

Labcorp Genetics (formerly Invitae), Labcorp
Classification: Uncertain significance for Hereditary breast ovarian cancer syndrome. Last evaluated: 2025-03-23. Review status: criteria provided, single submitter. Criteria: Invitae Variant Classification Sherloc (09022015). Collection method: clinical testing. Allele origin: germline.
Comment: This sequence change replaces lysine, which is basic and polar, with asparagine, which is neutral and polar, at codon 2150 of the BRCA2 protein (p.Lys2150Asn). This variant is present in population databases (no rsID available, gnomAD 0.01%). This variant has not been reported in the literature in individuals affected with BRCA2-related conditions. ClinVar contains an entry for this variant (Variation ID: 230860). Invitae Evidence Modeling of protein sequence and biophysical properties (such as structural, functional, and spatial information, amino acid conservation, physicochemical variation, residue mobility, and thermodynamic stability) indicates that this missense variant is not expected to disrupt BRCA2 protein function with a negative predictive value of 95%. In summary, the available evidence is currently insufficient to determine the role of this variant in disease. Therefore, it has been classified as a Variant of Uncertain Significance.

All of Us Research Program, National Institutes of Health
Classification: Uncertain significance for BRCA2-related cancer predisposition. Last evaluated: 2024-04-30. Review status: criteria provided, single submitter. Criteria: ACMG Guidelines, 2015. Collection method: clinical testing. Allele origin: germline. Inheritance: Autosomal dominant inheritance. Observed: 2 variant alleles, 2 heterozygotes.
Comment: This missense variant replaces lysine with asparagine at codon 2150 of the BRCA2 protein. Computational prediction suggests that this variant may not impact protein structure and function (internally defined REVEL score threshold <= 0.5, PMID: 27666373). To our knowledge, functional studies have not been reported for this variant. This variant has not been reported in individuals affected with hereditary cancer in the literature. This variant has been identified in 1/31406 chromosomes in the general population by the Genome Aggregation Database (gnomAD). The available evidence is insufficient to determine the role of this variant in disease conclusively. Therefore, this variant is classified as a Variant of Uncertain Significance.

This study involves interpretation of variants in research participants for the purpose of population health screening. Participant phenotype was not available at the time of variant classification. Additional details can be found in publication PMID: 35346344, PMCID: PMC8962531

Ambry Genetics
Classification: Uncertain significance for Hereditary cancer-predisposing syndrome. Last evaluated: 2023-07-21. Review status: criteria provided, single submitter. Criteria: Ambry Variant Classification Scheme 2023. Collection method: clinical testing. Allele origin: germline.
Comment: The p.K2150N variant (also known as c.6450A>C), located in coding exon 10 of the BRCA2 gene, results from an A to C substitution at nucleotide position 6450. The lysine at codon 2150 is replaced by asparagine, an amino acid with similar properties. This amino acid position is not well conserved in available vertebrate species. In addition, this alteration is predicted to be tolerated by in silico analysis. Since supporting evidence is limited at this time, the clinical significance of this alteration remains unclear.

University of Washington Department of Laboratory Medicine, University of Washington
Classification: Likely benign for Hereditary cancer-predisposing syndrome. Last evaluated: 2023-03-23. Review status: criteria provided, single submitter. Criteria: Dines et al. (Genet Med. 2020). Collection method: curation. Allele origin: germline.
Comment: Missense variant in a coldspot region where missense variants are very unlikely to be pathogenic (PMID:31911673).

BRCA2 exon 11 coldspot. Reclassification based on statistical prior probability.

Women's Health and Genetics/Laboratory Corporation of America, LabCorp
Classification: Uncertain significance. Last evaluated: 2018-08-27. Review status: criteria provided, single submitter. Criteria: LabCorp Variant Classification Summary - May 2015. Collection method: clinical testing. Allele origin: germline.
Comment: Variant summary: BRCA2 c.6450A>C (p.Lys2150Asn) results in a non-conservative amino acid change in the encoded protein sequence. Two of four in-silico tools predict a benign effect of the variant on protein function. The variant allele was found at a frequency of 3.2e-05 in 30968 control chromosomes (gnomAD). The available data on variant occurrences in the general population are insufficient to allow any conclusion about variant significance. To our knowledge, no occurrence of c.6450A>C in individuals affected with Hereditary Breast and Ovarian Cancer and no experimental evidence demonstrating its impact on protein function have been reported. Co-occurrence with one other pathogenic variant has been reported in our database (BRCA2 c.(7007+1_7008-1)_(7805+1_7806-1)del, p.Thr2337_Arg2602del), providing supporting evidence for a benign role. Two ClinVar submissions from other clinical diagnostic laboratories (evaluation after 2014) cites the variant as uncertain significance. Based on the evidence outlined above, the variant was classified as VUS-possibly benign.

NM_000059.4(BRCA2):c.6450A>C (p.Lys2150Asn)

Gene: BRCA2 (BRCA2 DNA repair associated; plus strand). Cytogenetic location: 13q13.1.
Variant type: single nucleotide variant.
Coding change: c.6450A>C on transcript NM_000059.4 (MANE Select); coding-DNA position 6450, A replaced by C.
Protein change: p.Lys2150Asn; replaces lysine 2150 with asparagine.
Molecular consequence: missense variant.
Genome position (GRCh38, 1-based): chr13:32,340,805, A>C. VCF-style: chr13-32340805-A-C. GRCh37 (hg19) VCF-style: chr13-32914942-A-C.
Other names: short protein forms K2150N.
Identifiers: ClinVar variation 230860 (VCV000230860.17), dbSNP rs876658814, ClinGen allele CA10579696.